The following is an entry in ClinVar:

ClinVar aggregate classification (germline): Likely benign. Review status: criteria provided, multiple submitters, no conflicts (2 of 4 stars). 2 submissions from 2 submitters: Likely benign (2). Last evaluated 2018-06-14.

Allele frequency attached by ClinVar (database versions not stated): gnomAD exomes 0.00094; 1000 Genomes Project 30x 0.00906; gnomAD 0.00909 and 0.00976; 1000 Genomes Project 0.00919; TOPMed 0.01031.
gnomAD v4.1: 2,618 of 1,408,252 alleles (0.19%); highest among the groups gnomAD compares: African/African-American, 3.2%; 40 homozygotes.

Submissions (2):

GeneDx
Classification: Likely benign. Last evaluated: 2018-06-14. Review status: criteria provided, single submitter. Criteria: GeneDx Variant Classification (06012015). Collection method: clinical testing. Allele origin: germline. Affected: yes.
Comment: This variant is considered likely benign or benign based on one or more of the following criteria: it is a conservative change, it occurs at a poorly conserved position in the protein, it is predicted to be benign by multiple in silico algorithms, and/or has population frequency not consistent with disease.

Breakthrough Genomics
Classification: Likely benign. Review status: criteria provided, single submitter. Criteria: ACMG Guidelines, 2015. Collection method: not provided. Allele origin: germline. Inheritance: Autosomal dominant inheritance. Affected: yes.

NM_004333.6(BRAF):c.1178-104C>G

Gene: BRAF (B-Raf proto-oncogene, serine/threonine kinase; minus strand). Cytogenetic location: 7q34.
Variant type: single nucleotide variant.
Coding change: c.1178-104C>G on transcript NM_004333.6 (MANE Select); 104 bases into the intron before coding-DNA position 1178, C replaced by G.
Molecular consequence: intron variant.
Genome position (GRCh38, 1-based): chr7:140,783,261, G>C on the plus strand (C>G on the coding strand, the complement: BRAF is on the minus strand). VCF-style: chr7-140783261-G-C. GRCh37 (hg19) VCF-style: chr7-140483061-G-C.
Other names: c.1178-104C>G (NM_001378468.1, NM_001354609.2, NM_001378474.1); c.1298-104C>G (NM_001374258.1, NM_001374244.1); c.1187-104C>G (NM_001378467.1); c.1022-104C>G (NM_001378472.1, NM_001378473.1); c.1178-170C>G (NM_001378469.1); c.1076-104C>G (NM_001378470.1); c.914-104C>G (NM_001378475.1); c.1141-178C>G (NM_001378471.1).
Identifiers: ClinVar variation 561444 (VCV000561444.2), dbSNP rs71645967, ClinGen allele CA168091867.